The following is an entry in ClinVar:

NM_004168.4(SDHA):c.1927C>A (p.Pro643Thr)

Gene: SDHA (succinate dehydrogenase complex flavoprotein subunit A; plus strand). Cytogenetic location: 5p15.33.
Variant type: single nucleotide variant.
Coding change: c.1927C>A on transcript NM_004168.4 (MANE Select); coding-DNA position 1927, C replaced by A.
Protein change: p.Pro643Thr; replaces proline 643 with threonine.
Molecular consequence: missense variant.
Genome position (GRCh38, 1-based): chr5:256,352, C>A. VCF-style: chr5-256352-C-A. GRCh37 (hg19) VCF-style: chr5-256467-C-A.
Other names: c.1783C>A, p.Pro595Thr (NM_001294332.2); c.1684C>A, p.Pro562Thr (NM_001330758.2); short protein forms P595T, P562T, P643T.
Identifiers: ClinVar variation 957038 (VCV000957038.12), dbSNP rs1579448568, ClinGen allele CA359002690.

ClinVar aggregate classification (germline): Uncertain significance. Review status: criteria provided, multiple submitters, no conflicts (2 of 4 stars). 2 submissions from 2 submitters: Uncertain significance (2). Last evaluated 2025-10-02.

Conditions:
Mitochondrial complex II deficiency, nuclear type 1. Also called: SUCCINATE CoQ REDUCTASE DEFICIENCY. Identifiers: Orphanet 3208, MedGen C5700310, MONDO:0100294, OMIM 252011.
Pheochromocytoma/paraganglioma syndrome 5. Also called: Paragangliomas 5; SDHA-Related Hereditary Paraganglioma-Pheochromocytoma Syndrome. Identifiers: Orphanet 29072, MedGen C3279992, MONDO:0013602, OMIM 614165.
Hereditary cancer-predisposing syndrome. Also called: Hereditary Cancer Syndrome; Neoplastic Syndromes, Hereditary; Tumor predisposition; Hereditary neoplastic syndrome. Identifiers: Orphanet 140162, MedGen C0027672, MeSH D009386, MONDO:0015356.

Submissions (2):

Labcorp Genetics (formerly Invitae), Labcorp
Classification: Uncertain significance for Pheochromocytoma/paraganglioma syndrome 5; Mitochondrial complex II deficiency, nuclear type 1. Last evaluated: 2025-10-02. Review status: criteria provided, single submitter. Criteria: Invitae Variant Classification Sherloc (09022015). Collection method: clinical testing. Allele origin: germline.
Comment: This sequence change replaces proline, which is neutral and non-polar, with threonine, which is neutral and polar, at codon 643 of the SDHA protein (p.Pro643Thr). This variant is not present in population databases (gnomAD no frequency). This variant has not been reported in the literature in individuals affected with SDHA-related conditions. ClinVar contains an entry for this variant (Variation ID: 957038). Invitae Evidence Modeling of protein sequence and biophysical properties (such as structural, functional, and spatial information, amino acid conservation, physicochemical variation, residue mobility, and thermodynamic stability) indicates that this missense variant is not expected to disrupt SDHA protein function with a negative predictive value of 95%. In summary, the available evidence is currently insufficient to determine the role of this variant in disease. Therefore, it has been classified as a Variant of Uncertain Significance.

Ambry Genetics
Classification: Uncertain significance for Hereditary cancer-predisposing syndrome. Last evaluated: 2021-04-28. Review status: criteria provided, single submitter. Criteria: Ambry Variant Classification Scheme 2023. Collection method: clinical testing. Allele origin: germline.
Comment: The p.P643T variant (also known as c.1927C>A), located in coding exon 15 of the SDHA gene, results from a C to A substitution at nucleotide position 1927. The proline at codon 643 is replaced by threonine, an amino acid with highly similar properties. This amino acid position is highly conserved in available vertebrate species. In addition, this alteration is predicted to be tolerated by in silico analysis. Since supporting evidence is limited at this time, the clinical significance of this alteration remains unclear.